The following is an entry in ClinVar:

NM_020964.3(EPG5):c.3938A>G (p.Gln1313Arg)

Gene: EPG5 (ectopic P-granules 5 autophagy tethering factor; minus strand). Cytogenetic location: 18q21.1.
Variant type: single nucleotide variant.
Coding change: c.3938A>G on transcript NM_020964.3 (MANE Select); coding-DNA position 3938, A replaced by G.
Protein change: p.Gln1313Arg; replaces glutamine 1313 with arginine.
Molecular consequence: missense variant.
Genome position (GRCh38, 1-based): chr18:45,912,335, T>C on the plus strand (A>G on the coding strand, the complement: EPG5 is on the minus strand). VCF-style: chr18-45912335-T-C. GRCh37 (hg19) VCF-style: chr18-43492300-T-C.
Other names: short protein forms Q1313R.
Identifiers: ClinVar variation 842617 (VCV000842617.2), dbSNP rs2049924645, ClinGen allele CA402340626.

ClinVar aggregate classification (germline): Uncertain significance (1 of 4 stars; one submission).

Conditions:
Vici syndrome (VICIS). Identifiers: Orphanet 1493, MedGen C1855772, MONDO:0009452, OMIM 242840.

Submission:

Labcorp Genetics (formerly Invitae), Labcorp
Classification: Uncertain significance for Vici syndrome. Last evaluated: 2020-01-12. Review status: criteria provided, single submitter. Criteria: Invitae Variant Classification Sherloc (09022015). Collection method: clinical testing. Allele origin: germline.
Comment: This sequence change replaces glutamine with arginine at codon 1313 of the EPG5 protein (p.Gln1313Arg). The glutamine residue is highly conserved and there is a small physicochemical difference between glutamine and arginine. This variant is not present in population databases (ExAC no frequency). This variant has not been reported in the literature in individuals with EPG5-related conditions. Algorithms developed to predict the effect of missense changes on protein structure and function (SIFT, PolyPhen-2, Align-GVGD) all suggest that this variant is likely to be disruptive, but these predictions have not been confirmed by published functional studies and their clinical significance is uncertain. In summary, the available evidence is currently insufficient to determine the role of this variant in disease. Therefore, it has been classified as a Variant of Uncertain Significance.